The following is an entry in ClinVar:

NM_003638.3(ITGA8):c.1446-5C>T

Gene: ITGA8 (integrin subunit alpha 8; minus strand). Cytogenetic location: 10p13.
Variant type: single nucleotide variant.
Coding change: c.1446-5C>T on transcript NM_003638.3 (MANE Select); 5 bases into the intron before coding-DNA position 1446, C replaced by T.
Molecular consequence: intron variant.
Genome position (GRCh38, 1-based): chr10:15,613,772, G>A on the plus strand (C>T on the coding strand, the complement: ITGA8 is on the minus strand). VCF-style: chr10-15613772-G-A. GRCh37 (hg19) VCF-style: chr10-15655771-G-A.
Other names: c.1446-5C>T (NM_003638.2); c.1401-5C>T (NM_001291494.2).
Identifiers: ClinVar variation 2891171 (VCV002891171.5), dbSNP rs201796039, ClinGen allele CA5420209.
Genomic context (GRCh38, chr10:15,613,772, plus strand): 5'-TGATAATCATTGGGTGCAGCAGAAGCTGGGCATCTACAGTCACAACCGGTCTTGCTCTGC[G>A]GGGAGAAAATGCAGGGTTTGTTTAAATAAAACACAAGGGTGATAGGCAGGCAGAAGCCCA-3'

ClinVar aggregate classification (germline): Likely benign. Review status: criteria provided, single submitter (1 of 4 stars). 2 submissions from 2 submitters: Likely benign (1). 1 of the submissions does not count toward it. Last evaluated 2024-06-03.

Conditions:
ITGA8-related disorder. Also called: ITGA8-related condition.

Allele frequency attached by ClinVar (database versions not stated): TOPMed 0.00003; ExAC 0.00004; gnomAD 0.00007; gnomAD exomes 0.00009; 1000 Genomes Project 30x 0.00016; 1000 Genomes Project 0.00020.
gnomAD v4.1: 156 of 1,601,616 alleles (0.0097%); highest among the groups gnomAD compares: African/African-American, 0.013%; no homozygotes.

Submissions (2):

Labcorp Genetics (formerly Invitae), Labcorp
Classification: Likely benign. Last evaluated: 2024-06-03. Review status: criteria provided, single submitter. Criteria: Invitae Variant Classification Sherloc (09022015). Collection method: clinical testing. Allele origin: germline.

PreventionGenetics, part of Exact Sciences
Classification: Likely benign for ITGA8-related condition. Last evaluated: 2022-10-18. Review status: no assertion criteria provided. Collection method: clinical testing. Allele origin: germline. Not counted in ClinVar's aggregate classification.
Comment: This variant is classified as likely benign based on ACMG/AMP sequence variant interpretation guidelines (Richards et al. 2015 PMID: 25741868, with internal and published modifications).